The following is an entry in ClinVar:

ClinVar aggregate classification (germline): Uncertain significance (1 of 4 stars; one submission).

Conditions:
Inborn genetic diseases. Identifiers: MedGen C0950123, MeSH D030342.

Submission:

Ambry Genetics
Classification: Uncertain significance for Inborn genetic diseases. Last evaluated: 2021-05-06. Review status: criteria provided, single submitter. Criteria: Ambry Variant Classification Scheme 2023. Collection method: clinical testing. Allele origin: germline.
Comment: The p.G110A variant (also known as c.329G>C), located in coding exon 4 of the SPTLC1 gene, results from a G to C substitution at nucleotide position 329. The glycine at codon 110 is replaced by alanine, an amino acid with similar properties. This amino acid position is highly conserved in available vertebrate species. In addition, this alteration is predicted to be deleterious by in silico analysis. Since supporting evidence is limited at this time, the clinical significance of this alteration remains unclear.

NM_006415.4(SPTLC1):c.329G>C (p.Gly110Ala)

Gene: SPTLC1 (serine palmitoyltransferase long chain base subunit 1; minus strand). Cytogenetic location: 9q22.31.
Variant type: single nucleotide variant.
Coding change: c.329G>C on transcript NM_006415.4 (MANE Select); coding-DNA position 329, G replaced by C.
Protein change: p.Gly110Ala; replaces glycine 110 with alanine.
Molecular consequence: missense variant. On other transcripts: 5 prime UTR variant (2).
Genome position (GRCh38, 1-based): chr9:92,080,895, C>G on the plus strand (G>C on the coding strand, the complement: SPTLC1 is on the minus strand). VCF-style: chr9-92080895-C-G. GRCh37 (hg19) VCF-style: chr9-94843177-C-G.
Other names: c.329G>C, p.Gly110Ala (NM_001281303.2, NM_178324.3); c.-171G>C (NM_001368272.1); c.-137G>C (NM_001368273.1); short protein forms G110A.
Identifiers: ClinVar variation 1729934 (VCV001729934.2), dbSNP rs1834857269, ClinGen allele CA373788701.